The following is an entry in ClinVar:

NM_000038.6(APC):c.3754del (p.Ser1252fs)

Gene: APC (APC regulator of Wnt signaling pathway; plus strand). Cytogenetic location: 5q22.2.
Variant type: Deletion.
Coding change: c.3754del on transcript NM_000038.6 (MANE Select); coding-DNA position 3754, one base deleted (T; older notation c.3754delT).
Protein change: p.Ser1252fs; shifts the reading frame from serine 1252.
Molecular consequence: frameshift variant. On other transcripts: non-coding transcript variant (2).
Genome position (GRCh38, 1-based): chr5:112,839,348, T deleted; the last of 3 consecutive T bases (chr5:112,839,346-112,839,348); deleting any one gives the same sequence. VCF-style (leftmost placement, unchanged base first): chr5-112839345-GT-G. GRCh37 (hg19) VCF-style: chr5-112175042-GT-G.
Other names: c.3754del, p.Ser1252fs (NM_001127510.3, NM_001354895.2, NM_001407450.1); c.3700del, p.Ser1234fs (NM_001127511.3); c.3808del, p.Ser1270fs (NM_001354896.2, NM_001407447.1, NM_001407448.1 and 1 more transcripts); c.3784del, p.Ser1262fs (NM_001354897.2); c.3679del, p.Ser1227fs (NM_001354898.2); c.3670del, p.Ser1224fs (NM_001354899.2); c.3631del, p.Ser1211fs (NM_001354900.2); c.3577del, p.Ser1193fs (NM_001354901.2, NM_001407453.1); and 11 more; short protein forms S1092fs, S1123fs, S1126fs, S1151fs, S1161fs, S1169fs, S1193fs, S1211fs.
Identifiers: ClinVar variation 2583410 (VCV002583410.2), dbSNP rs1765511794, ClinGen allele CA2582341533.

ClinVar aggregate classification (germline): Pathogenic (1 of 4 stars; one submission).

Conditions:
Familial adenomatous polyposis 1 (FAP1). Also called: POLYPOSIS, ADENOMATOUS INTESTINAL; FAMILIAL ADENOMATOUS POLYPOSIS 1, ATTENUATED. Identifiers: MedGen C2713442, MONDO:0021056, OMIM 175100. Disease mechanism: loss of function.

Submission:

Myriad Genetics, Inc.
Classification: Pathogenic for Familial adenomatous polyposis 1. Last evaluated: 2023-05-09. Review status: criteria provided, single submitter. Criteria: Myriad Autosomal Dominant, Autosomal Recessive and X-Linked Classification Criteria (2023). Collection method: clinical testing. Allele origin: unknown.
Comment: This variant is considered pathogenic. This variant creates a frameshift predicted to result in premature protein truncation.